The following is an entry in ClinVar:

ClinVar aggregate classification (germline): Likely benign. Review status: criteria provided, multiple submitters, no conflicts (2 of 4 stars). 2 submissions from 2 submitters: Likely benign (2). Last evaluated 2026-01-14.

Conditions:
Wilson disease (WND). Also called: Wilson's disease. Identifiers: Orphanet 905, MedGen C0019202, MONDO:0010200, OMIM 277900. Disease mechanism: loss of function.

Allele frequency attached by ClinVar (database versions not stated): gnomAD exomes below 0.00001; gnomAD 0.00001; TOPMed 0.00002.
gnomAD v4.1: 3 of 1,614,016 alleles (0.00019%); highest among the groups gnomAD compares: Admixed American, 0.005%; no homozygotes.

Submissions (2):

Labcorp Genetics (formerly Invitae), Labcorp
Classification: Likely benign for Wilson disease. Last evaluated: 2026-01-14. Review status: criteria provided, single submitter. Criteria: Invitae Variant Classification Sherloc (09022015). Collection method: clinical testing. Allele origin: germline.

All of Us Research Program, National Institutes of Health
Classification: Likely benign for Wilson disease. Last evaluated: 2023-05-16. Review status: criteria provided, single submitter. Criteria: ACMG Guidelines, 2015. Collection method: clinical testing. Allele origin: germline. Inheritance: Autosomal recessive inheritance. Observed: 1 variant allele, 1 heterozygote.
Comment: This study involves interpretation of variants in research participants for the purpose of population health screening. Participant phenotype was not available at the time of variant classification. Additional details can be found in publication PMID: 35346344, PMCID: PMC8962531

NM_000053.4(ATP7B):c.3413-8T>C

Gene: ATP7B (ATPase copper transporting beta; minus strand). Cytogenetic location: 13q14.3.
Variant type: single nucleotide variant.
Coding change: c.3413-8T>C on transcript NM_000053.4 (MANE Select); 8 bases into the intron before coding-DNA position 3413, T replaced by C.
Molecular consequence: intron variant.
Genome position (GRCh38, 1-based): chr13:51,941,232, A>G on the plus strand (T>C on the coding strand, the complement: ATP7B is on the minus strand). VCF-style: chr13-51941232-A-G. GRCh37 (hg19) VCF-style: chr13-52515368-A-G.
Other names: c.3080-8T>C (NM_001243182.2); c.2792-8T>C (NM_001005918.3); c.3161-8T>C (NM_001330579.2); c.3179-8T>C (NM_001330578.2).
Identifiers: ClinVar variation 1110943 (VCV001110943.10), dbSNP rs1957312964, ClinGen allele CA956029886.